The following is an entry in ClinVar:

ClinVar aggregate classification (germline): Likely benign (1 of 4 stars; one submission).

Allele frequency attached by ClinVar (database versions not stated): 1000 Genomes Project 0.00260; 1000 Genomes Project 30x 0.00265; TOPMed 0.00473; ExAC 0.00501; gnomAD 0.00547; ESP Exome Variant Server 0.00638; gnomAD exomes 0.00729.
gnomAD v4.1: 11,502 of 1,613,874 alleles (0.71%); highest among the groups gnomAD compares: Non-Finnish European, 0.83%; 62 homozygotes.

Submission:

CeGaT Center for Human Genetics Tuebingen
Classification: Likely benign. Last evaluated: 2023-03-01. Review status: criteria provided, single submitter. Criteria: CeGaT Center For Human Genetics Tuebingen Variant Classification Criteria Version 2. Collection method: clinical testing. Allele origin: germline. Affected: yes. Observed: 1 variant allele.
Comment: CDHR2: BS2

NM_017675.6(CDHR2):c.2066A>G (p.Asn689Ser)

Gene: CDHR2 (cadherin related family member 2; plus strand). Cytogenetic location: 5q35.2.
Variant type: single nucleotide variant.
Coding change: c.2066A>G on transcript NM_017675.6 (MANE Select); coding-DNA position 2066, A replaced by G.
Protein change: p.Asn689Ser; replaces asparagine 689 with serine.
Molecular consequence: missense variant.
Genome position (GRCh38, 1-based): chr5:176,584,197, A>G. VCF-style: chr5-176584197-A-G. GRCh37 (hg19) VCF-style: chr5-176011198-A-G.
Other names: c.2066A>G, p.Asn689Ser (NM_001171976.2); short protein forms N689S.
Identifiers: ClinVar variation 2656091 (VCV002656091.24), dbSNP rs115353627, ClinGen allele CA3570801.